The following is an entry in ClinVar:

ClinVar aggregate classification (germline): Uncertain significance. Review status: criteria provided, multiple submitters, no conflicts (2 of 4 stars). 3 submissions from 3 submitters: Uncertain significance (3). Last evaluated 2026-01-17.

Conditions:
Fanconi anemia (FA). Also called: Fanconi's anemia. Identifiers: Orphanet 84, MedGen C0015625, MeSH D005199, MONDO:0019391.

Allele frequency attached by ClinVar (database versions not stated): ExAC 0.00001; gnomAD 0.00001; TOPMed 0.00002; ESP Exome Variant Server 0.00008.
gnomAD v4.1: 158 of 1,612,658 alleles (0.0098%); highest among the groups gnomAD compares: Non-Finnish European, 0.013%; no homozygotes.

Submissions (3):

Labcorp Genetics (formerly Invitae), Labcorp
Classification: Uncertain significance for Fanconi anemia. Last evaluated: 2026-01-17. Review status: criteria provided, single submitter. Criteria: Invitae Variant Classification Sherloc (09022015). Collection method: clinical testing. Allele origin: germline.
Comment: This sequence change replaces glycine, which is neutral and non-polar, with valine, which is neutral and non-polar, at codon 1235 of the FANCM protein (p.Gly1235Val). This variant is present in population databases (rs146490925, gnomAD 0.004%). This missense change has been observed in individual(s) with breast cancer and/or head and neck squamous cell carcinoma (PMID: 28678401, 36707629). ClinVar contains an entry for this variant (Variation ID: 962590). An algorithm developed to predict the effect of missense changes on protein structure and function (PolyPhen-2) suggests that this variant is likely to be disruptive. In summary, the available evidence is currently insufficient to determine the role of this variant in disease. Therefore, it has been classified as a Variant of Uncertain Significance.

Quest Diagnostics Nichols Institute San Juan Capistrano
Classification: Uncertain significance. Last evaluated: 2024-08-13. Review status: criteria provided, single submitter. Criteria: Quest Diagnostics criteria. Collection method: clinical testing. Allele origin: unknown.
Comment: The FANCM c.3704G>T (p.Gly1235Val) variant has been reported in the published literature in an individual with head and neck squamous carcinoma (PMID: 28678401 (2017)), individuals with breast cancer (PMID: 36707629 (2023), 35884425 (2022), 33471991 (2021), see also LOVD) as well as in reportedly healthy individuals (PMID: 36707629 (2023), 33471991 (2021), see also LOVD). The frequency of this variant in the general population, 0.000044 (5/113232 chromosomes (Genome Aggregation Database)), is uninformative in the assessment of its pathogenicity. Analysis of this variant using bioinformatics tools for the prediction of the effect of amino acid changes on protein structure and function yielded conflicting predictions that this variant is benign or damaging. Based on the available information, we are unable to determine the clinical significance of this variant.

GeneDx
Classification: Uncertain significance. Last evaluated: 2024-02-08. Review status: criteria provided, single submitter. Criteria: GeneDx Variant Classification Process June 2021. Collection method: clinical testing. Allele origin: germline. Affected: yes.
Comment: Not observed at significant frequency in large population cohorts (gnomAD); In silico analysis supports that this missense variant has a deleterious effect on protein structure/function; Observed in individuals with acute lymphoblastic leukemia, colon cancer, or oropharyngeal cancer (PMID: 26580448, 27713038, 28678401); This variant is associated with the following publications: (PMID: 28678401, 27713038, 26580448)

Literature cited by the submitters: PubMed 28678401 (cited by Labcorp Genetics (formerly Invitae), Labcorp and Quest Diagnostics Nichols Institute San Juan Capistrano); PubMed 36707629 (cited by Labcorp Genetics (formerly Invitae), Labcorp and Quest Diagnostics Nichols Institute San Juan Capistrano); PubMed 33471991 (cited by Quest Diagnostics Nichols Institute San Juan Capistrano); PubMed 35884425 (cited by Quest Diagnostics Nichols Institute San Juan Capistrano).

NM_020937.4(FANCM):c.3704G>T (p.Gly1235Val)

Gene: FANCM (FA complementation group M; plus strand). Cytogenetic location: 14q21.2.
Variant type: single nucleotide variant.
Coding change: c.3704G>T on transcript NM_020937.4 (MANE Select); coding-DNA position 3704, G replaced by T.
Protein change: p.Gly1235Val; replaces glycine 1235 with valine.
Molecular consequence: missense variant.
Genome position (GRCh38, 1-based): chr14:45,176,458, G>T. VCF-style: chr14-45176458-G-T. GRCh37 (hg19) VCF-style: chr14-45645661-G-T.
Other names: c.3704G>T (NM_020937.3); c.3626G>T, p.Gly1209Val (NM_001308133.2); short protein forms G1209V, G1235V.
Identifiers: ClinVar variation 962590 (VCV000962590.13), dbSNP rs146490925, ClinGen allele CA7169556.